The following is an entry in ClinVar:

ClinVar aggregate classification (germline): Uncertain significance. Review status: criteria provided, multiple submitters, no conflicts (2 of 4 stars). 2 submissions from 2 submitters: Uncertain significance (2). Last evaluated 2022-02-08.

Conditions:
Dilated cardiomyopathy 1G (CMD1G). Identifiers: Orphanet 154, MedGen C1858763, MONDO:0011400, OMIM 604145.
Autosomal recessive limb-girdle muscular dystrophy type 2J (LGMDR10). Also called: Limb-girdle muscular dystrophy, type 2J; MUSCULAR DYSTROPHY, LIMB-GIRDLE, AUTOSOMAL RECESSIVE 10. Identifiers: Orphanet 140922, MedGen C1837342, MONDO:0012127, OMIM 608807.

gnomAD v4.1: 3 of 1,613,798 alleles (0.00019%); highest among the groups gnomAD compares: Non-Finnish European, 0.00017%; no homozygotes.

Submissions (2):

Labcorp Genetics (formerly Invitae), Labcorp
Classification: Uncertain significance for Dilated cardiomyopathy 1G; Autosomal recessive limb-girdle muscular dystrophy type 2J. Last evaluated: 2022-02-08. Review status: criteria provided, single submitter. Criteria: Invitae Variant Classification Sherloc (09022015). Collection method: clinical testing. Allele origin: germline.
Comment: This variant has not been reported in the literature in individuals affected with TTN-related conditions. This variant is located in the M band of TTN (PMID: 25589632). Variants in this region may be relevant for neuromuscular disorders, but have not been definitively shown to cause cardiomyopathy (PMID: 23975875). In summary, the available evidence is currently insufficient to determine the role of this variant in disease. Therefore, it has been classified as a Variant of Uncertain Significance. Experimental studies and prediction algorithms are not available or were not evaluated, and the functional significance of this variant is currently unknown. ClinVar contains an entry for this variant (Variation ID: 165661). This variant is not present in population databases (gnomAD no frequency). This sequence change replaces glutamic acid, which is acidic and polar, with aspartic acid, which is acidic and polar, at codon 33660 of the TTN protein (p.Glu33660Asp).

Laboratory for Molecular Medicine, Mass General Brigham Personalized Medicine
Classification: Uncertain significance. Last evaluated: 2014-02-27. Review status: criteria provided, single submitter. Criteria: LMM Criteria. Collection method: clinical testing. Allele origin: germline. Observed: 1 variant allele.
Comment: The Glu31092Asp variant in TTN has not been previously identified by our laborat ory, been reported in the literature, or identified in large population studies. Computational analyses (biochemical amino acid properties, conservation, AlignG VGD, PolyPhen2, and SIFT) suggest that the Glu31092Asp variant may not impact th e normal function of the protein. Many bird species have an Asp at this position of TTN, suggesting that this change might be tolerated. However, this informati on is not predictive enough to rule out pathogenicity. In summary, additional in formation is needed to fully assess the clinical significance of the Glu31092Asp variant.

Literature cited by the submitters: PubMed 25589632 (cited by Labcorp Genetics (formerly Invitae), Labcorp); PubMed 23975875 (cited by Labcorp Genetics (formerly Invitae), Labcorp).

NM_001267550.2(TTN):c.100980G>C (p.Glu33660Asp)

Genes: TTN (titin; minus strand), TTN-AS1 (TTN antisense RNA 1; plus strand). Cytogenetic location: 2q31.2.
Variant type: single nucleotide variant.
Coding change: c.100980G>C on transcript NM_001267550.2 (MANE Select); coding-DNA position 100980, G replaced by C.
Protein change: p.Glu33660Asp; replaces glutamic acid 33660 with aspartic acid.
Molecular consequence: missense variant.
Genome position (GRCh38, 1-based): chr2:178,535,635, C>G on the plus strand (G>C on the coding strand, the complement: TTN is on the minus strand). VCF-style: chr2-178535635-C-G. GRCh37 (hg19) VCF-style: chr2-179400362-C-G.
Other names: c.96057G>C, p.Glu32019Asp (NM_001256850.1); c.73785G>C, p.Glu24595Asp (NM_003319.4); c.74160G>C, p.Glu24720Asp (NM_133432.3); c.74361G>C, p.Glu24787Asp (NM_133437.4); c.93276G>C, p.Glu31092Asp (NM_133378.4); short protein forms E31092D, E33660D, E24595D, E24720D, E24787D, E32019D.
Identifiers: ClinVar variation 165661 (VCV000165661.10), dbSNP rs727503536, ClinGen allele CA178381.